The following is an entry in ClinVar:

NM_181486.4(TBX5):c.1421C>T (p.Thr474Ile)

Gene: TBX5 (T-box transcription factor 5; minus strand). Cytogenetic location: 12q24.21.
Variant type: single nucleotide variant.
Coding change: c.1421C>T on transcript NM_181486.4 (MANE Select); coding-DNA position 1421, C replaced by T.
Protein change: p.Thr474Ile; replaces threonine 474 with isoleucine.
Molecular consequence: missense variant.
Genome position (GRCh38, 1-based): chr12:114,355,668, G>A on the plus strand (C>T on the coding strand, the complement: TBX5 is on the minus strand). VCF-style: chr12-114355668-G-A. GRCh37 (hg19) VCF-style: chr12-114793473-G-A.
Other names: c.1421C>T, p.Thr474Ile (NM_000192.3); c.1271C>T, p.Thr424Ile (NM_080717.4); short protein forms T424I, T474I.
Identifiers: ClinVar variation 3230602 (VCV003230602.1), dbSNP rs1474972463, ClinGen allele CA386925096.

ClinVar aggregate classification (germline): Uncertain significance (1 of 4 stars; one submission).

Conditions:
Cardiovascular phenotype. Identifiers: MedGen CN230736.

Submission:

Ambry Genetics
Classification: Uncertain significance for Cardiovascular phenotype. Last evaluated: 2022-11-04. Review status: criteria provided, single submitter. Criteria: Ambry Variant Classification Scheme 2023. Collection method: clinical testing. Allele origin: germline.
Comment: The p.T474I variant (also known as c.1421C>T), located in coding exon 8 of the TBX5 gene, results from a C to T substitution at nucleotide position 1421. The threonine at codon 474 is replaced by isoleucine, an amino acid with similar properties. This amino acid position is conserved. In addition, this alteration is predicted to be tolerated by in silico analysis. Since supporting evidence is limited at this time, the clinical significance of this alteration remains unclear.